The following is an entry in ClinVar:

ClinVar aggregate classification (germline): Pathogenic. Review status: criteria provided, multiple submitters, no conflicts (2 of 4 stars). 17 submissions from 17 submitters: Pathogenic (15). 2 of the submissions do not count toward it. Last evaluated 2025-10-09.

Conditions:
SOS1-related disorder. Also called: SOS1-related condition.
Cardiovascular phenotype. Identifiers: MedGen CN230736.
RASopathy. Also called: Noonan spectrum disorder; rasopathies. Identifiers: Orphanet 536391, MedGen C5555857, MONDO:0021060.
Noonan syndrome (NS). Also called: Noonan's syndrome. Identifiers: Orphanet 648, MedGen C0028326, MeSH D009634, MONDO:0018997. Disease mechanism: gain of function.
Noonan syndrome 1 (NS1). Also called: FEMALE PSEUDO-TURNER SYNDROME; TURNER PHENOTYPE WITH NORMAL KARYOTYPE; PTPN11-Related Noonan Syndrome. Identifiers: Orphanet 648, MedGen C4551602, MONDO:0008104, OMIM 163950. Disease mechanism: gain of function.
Noonan syndrome 4 (NS4). Also called: NOONAN SYNDROME WITH PIGMENTED VILLONODULAR SYNOVITIS; SOS1-Related Noonan Syndrome. Identifiers: Orphanet 648, MedGen C1853120, MONDO:0012547, OMIM 610733.

Submissions 1 to 10 of 17:

Dasa
Classification: Pathogenic. Last evaluated: 2025-10-09. Review status: criteria provided, single submitter. Criteria: DASA Assertion Criteria. Collection method: clinical testing. Allele origin: germline.
Comment: NM_005633.4(SOS1):c.806T>G (p.Met269Arg) is a missense variant that results in the substitution of methionine with arginine. The affected residue or protein region has prior evidence supporting clinical relevance. De novo occurrence has been reported in an individual with related phenotype. Functional evidence supports a deleterious effect on the gene or gene product (PMID: 21387466; PMID: 18854871; PMID: 17586837; PMID: 17143282; PMID: 17143285). This variant has been recurrently observed in individuals with related phenotype (PMID: 21387466; PMID: 18854871; PMID: 17586837; PMID: 17143282; PMID: 17143285). Multiple computational predictions support a deleterious effect on the gene or gene product. The variant is present at low frequency in population datasets. Based on the available data, this variant is classified as pathogenic.

Blueprint Genetics
Classification: Pathogenic for SOS1-related disorders. Last evaluated: 2024-09-19. Review status: criteria provided, single submitter. Criteria: ACMG Guidelines, 2015. Collection method: clinical testing. Allele origin: germline. Affected: yes. Observed: 2 variant alleles.

Labcorp Genetics (formerly Invitae), Labcorp
Classification: Pathogenic for RASopathy. Last evaluated: 2024-09-03. Review status: criteria provided, single submitter. Criteria: Invitae Variant Classification Sherloc (09022015). Collection method: clinical testing. Allele origin: germline.
Comment: This sequence change replaces methionine, which is neutral and non-polar, with arginine, which is basic and polar, at codon 269 of the SOS1 protein (p.Met269Arg). This variant is not present in population databases (gnomAD no frequency). This missense change has been observed in individual(s) with Noonan syndrome (PMID: 17143282, 17143285, 17586837, 19020799, 22420426, 23885229). In at least one individual the variant was observed to be de novo. ClinVar contains an entry for this variant (Variation ID: 12870). Invitae Evidence Modeling of protein sequence and biophysical properties (such as structural, functional, and spatial information, amino acid conservation, physicochemical variation, residue mobility, and thermodynamic stability) indicates that this missense variant is expected to disrupt SOS1 protein function with a positive predictive value of 95%. Experimental studies have shown that this missense change affects SOS1 function (PMID: 17143285, 20683980). This variant disrupts the p.Met269 amino acid residue in SOS1. Other variant(s) that disrupt this residue have been determined to be pathogenic (PMID: 19953625, 20683980). This suggests that this residue is clinically significant, and that variants that disrupt this residue are likely to be disease-causing. For these reasons, this variant has been classified as Pathogenic.

3billion
Classification: Pathogenic for Noonan syndrome 4. Last evaluated: 2024-08-08. Review status: criteria provided, single submitter. Criteria: ACMG Guidelines, 2015. Collection method: clinical testing. Allele origin: germline. Affected: yes.
Comment: The variant is not observed in the gnomAD v4.0.0 dataset. Predicted Consequence/Location: The variant is located in a mutational hot spot and/or well-established functional domain in which established pathogenic variants have been reported (PMID: 29493581). Missense changes are a common disease-causing mechanism. In silico tool predictions suggest damaging effect of the variant on gene or gene product [REVEL: 0.93 (>=0.6, sensitivity 0.68 and specificity 0.92); 3Cnet: 0.87 (>=0.6, sensitivity 0.72 and precision 0.9)]. The same nucleotide change resulting in the same amino acid change has been previously reported as pathogenic/likely pathogenic with strong evidence (ClinVar ID: VCV000012870 /PMID: 17143282). The variant has been previously reported as de novo in a similarly affected individual (PMID: 17143282). Different missense changes at the same codon (p.Met269Thr, p.Met269Val) have been reported as pathogenic/likely pathogenic with strong evidence (ClinVar ID: VCV000040662, VCV000981559 /PMID: 17586837, 34358384 /3billion dataset). Therefore, this variant is classified as Pathogenic according to the recommendation of ACMG/AMP guideline.

ARUP Laboratories, Molecular Genetics and Genomics, ARUP Laboratories
Classification: Pathogenic. Last evaluated: 2024-07-31. Review status: criteria provided, single submitter. Criteria: ARUP Molecular Germline Variant Investigation Process 2024. Collection method: clinical testing. Allele origin: germline.
Comment: The SOS1 c.806T>G; p.Met269Arg variant (rs137852813, ClinVar Variation ID: 12870) is reported in the literature in individuals with features of Noonan syndrome (Ko 2008, Roberts 2007, Tartaglia 2007), and described as de novo in at least one individual (Tartaglia 2007). This variant is absent from the Genome Aggregation Database (v2.1.1), indicating it is not a common polymorphism. Computational analyses predict that this variant is deleterious (REVEL: 0.931). A different variant at this codon (p.Met269Thr) has also been reported in individuals with Noonan syndrome (ClinVar Variation ID: 40662), further supporting the importance of this amino acid position. Based on available information, the p.Met269Arg variant is considered to be pathogenic. References: Ko JM et al. PTPN11, SOS1, KRAS, and RAF1 gene analysis, and genotype-phenotype correlation in Korean patients with Noonan syndrome. J Hum Genet. 2008;53(11-12):999-1006. PMID: 19020799. Roberts AE et al. Germline gain-of-function mutations in SOS1 cause Noonan syndrome. Nat Genet. 2007 Jan;39(1):70-4. PMID: 17143285. Tartaglia M et al. Gain-of-function SOS1 mutations cause a distinctive form of Noonan syndrome. Nat Genet. 2007 Jan;39(1):75-9. PMID: 17143282.

Institute of Human Genetics, Clinical Exome/Genome Diagnostics Group, University Hospital Bonn
Classification: Pathogenic for Noonan syndrome 4. Last evaluated: 2023-11-07. Review status: criteria provided, single submitter. Criteria: ACMG Guidelines, 2015. Collection method: clinical testing. Allele origin: de novo. Affected: yes.

Genomic Medicine Lab, University of California San Francisco
Classification: Pathogenic for Noonan syndrome 4. Last evaluated: 2023-10-25. Review status: criteria provided, single submitter. Criteria: ACMG Guidelines, 2015. Collection method: clinical testing. Allele origin: de novo. Affected: yes.

GeneDx
Classification: Pathogenic. Last evaluated: 2022-01-20. Review status: criteria provided, single submitter. Criteria: GeneDx Variant Classification Process June 2021. Collection method: clinical testing. Allele origin: germline. Affected: yes.
Comment: Published functional studies demonstrate that the p.(M269R) variant results in increased EGF-evoked ERK activation in comparison to wild-type (Roberts et al., 2007); Not observed in large population cohorts (gnomAD); In silico analysis supports that this missense variant has a deleterious effect on protein structure/function; Missense variants in this gene are often considered pathogenic (HGMD); This variant is associated with the following publications: (PMID: 25862627, 24803665, 26280111, 17586837, 23885229, 22420426, 17143282, 21387466, 29165300, 29074966, 18854871, 30417923, 20648242, 29493581, 12628188, 17143285)

Athena Diagnostics
Classification: Pathogenic. Last evaluated: 2021-04-14. Review status: criteria provided, single submitter. Criteria: Athena Diagnostics Criteria. Collection method: clinical testing. Allele origin: unknown.
Comment: This variant has not been reported in large, multi-ethnic general populations. Assessment of experimental evidence suggests this variant results in abnormal protein function (PMID 17143285). Computational tools yielded predictions that this amino acid change may be damaging to the protein. This observation is not an independent occurrence and has been identified in the same individual by RCIGM, the other laboratory participating in the GEMINI study.

Women's Health and Genetics/Laboratory Corporation of America, LabCorp
Classification: Pathogenic for Rasopathy. Last evaluated: 2020-08-31. Review status: criteria provided, single submitter. Criteria: LabCorp Variant Classification Summary - May 2015. Collection method: clinical testing. Allele origin: germline.
Comment: Variant summary: SOS1 c.806T>G (p.Met269Arg) results in a non-conservative amino acid change located in the Dbl homology (DH) domain (IPR000219) of the encoded protein sequence. Five of five in-silico tools predict a damaging effect of the variant on protein function. The variant was absent in 251358 control chromosomes. c.806T>G has been reported in the literature in multiple individuals affected with Noonan Syndrome (examples- Roberts_2007, Tartaglia_2007, Zenker_2007, Ko_2008, Neumann_2009,Lepri_2011). These data indicate that the variant is very likely to be associated with disease. At least one publication reports experimental evidence that the variant conveys a gain-of-function to the protein, as higher levels of RAS-GTP and ERK activation were observed in cells with the variant (example- Roberts_2007). Four other clinical diagnostic laboratories have submitted clinical-significance assessments for this variant to ClinVar after 2014 without evidence for independent evaluation. All laboratories classified the variant as pathogenic. Based on the evidence outlined above, the variant was classified as pathogenic.

NM_005633.4(SOS1):c.806T>G (p.Met269Arg)

Gene: SOS1 (SOS Ras/Rac guanine nucleotide exchange factor 1; minus strand). Cytogenetic location: 2p22.1.
Variant type: single nucleotide variant.
Coding change: c.806T>G on transcript NM_005633.4 (MANE Select); coding-DNA position 806, T replaced by G.
Protein change: p.Met269Arg; replaces methionine 269 with arginine.
Molecular consequence: missense variant.
Genome position (GRCh38, 1-based): chr2:39,051,202, A>C on the plus strand (T>G on the coding strand, the complement: SOS1 is on the minus strand). VCF-style: chr2-39051202-A-C. GRCh37 (hg19) VCF-style: chr2-39278343-A-C.
Other names: p.M269R:ATG>AGG; c.785T>G, p.Met262Arg (NM_001382394.1); c.806T>G, p.Met269Arg (NM_001382395.1); short protein forms M269R, M262R.
Identifiers: ClinVar variation 12870 (VCV000012870.70), dbSNP rs137852813, ClinGen allele CA235346.